The following is an entry in ClinVar:

NM_001365088.1(SLC12A6):c.876+8A>G

Gene: SLC12A6 (solute carrier family 12 member 6; minus strand). Cytogenetic location: 15q14.
Variant type: single nucleotide variant.
Coding change: c.876+8A>G on transcript NM_001365088.1 (MANE Select); 8 bases into the intron after coding-DNA position 876, A replaced by G.
Molecular consequence: intron variant.
Genome position (GRCh38, 1-based): chr15:34,255,254, T>C on the plus strand (A>G on the coding strand, the complement: SLC12A6 is on the minus strand). VCF-style: chr15-34255254-T-C. GRCh37 (hg19) VCF-style: chr15-34547455-T-C.
Other names: c.699+8A>G (NM_001042495.2, NM_001042494.2); c.849+8A>G (NM_001042496.2); c.831+8A>G (NM_001042497.2); c.876+8A>G (NM_133647.2); c.723+8A>G (NM_005135.2).
Identifiers: ClinVar variation 392016 (VCV000392016.8), dbSNP rs1057524323, ClinGen allele CA16606917.

ClinVar aggregate classification (germline): Likely benign. Review status: criteria provided, multiple submitters, no conflicts (2 of 4 stars). 2 submissions from 2 submitters: Likely benign (2). Last evaluated 2023-12-10.

Allele frequency attached by ClinVar (database versions not stated): gnomAD exomes below 0.00001.
gnomAD v4.1: 3 of 1,593,230 alleles (0.00019%); highest among the groups gnomAD compares: Non-Finnish European, 0.00026%; no homozygotes.

Submissions (2):

Labcorp Genetics (formerly Invitae), Labcorp
Classification: Likely benign. Last evaluated: 2023-12-10. Review status: criteria provided, single submitter. Criteria: Invitae Variant Classification Sherloc (09022015). Collection method: clinical testing. Allele origin: germline.

GeneDx
Classification: Likely benign. Last evaluated: 2016-12-21. Review status: criteria provided, single submitter. Criteria: GeneDx Variant Classification (06012015). Collection method: clinical testing. Allele origin: germline. Affected: yes.
Comment: This variant is considered likely benign or benign based on one or more of the following criteria: it is a conservative change, it occurs at a poorly conserved position in the protein, it is predicted to be benign by multiple in silico algorithms, and/or has population frequency not consistent with disease.